The following is an entry in ClinVar:

NM_001005242.3(PKP2):c.256dup (p.Tyr86fs)

Gene: PKP2 (plakophilin 2; minus strand). Cytogenetic location: 12p11.21.
Variant type: Duplication.
Coding change: c.256dup on transcript NM_001005242.3 (MANE Select); coding-DNA position 256, one base duplicated (T; older notation c.256dupT).
Protein change: p.Tyr86fs; shifts the reading frame from tyrosine 86.
Molecular consequence: frameshift variant.
Genome position (GRCh38, 1-based): chr12:32,879,000, A duplicated on the plus strand (T on the coding strand, the reverse complement: PKP2 is on the minus strand). VCF-style (leftmost placement, unchanged base first): chr12-32878999-T-TA. GRCh37 (hg19) VCF-style: chr12-33031933-T-TA.
Other names: c.256dupT (NM_004572.3); c.256dup, p.Tyr86fs (NM_004572.4); short protein forms Y86fs.
Identifiers: ClinVar variation 202010 (VCV000202010.12), dbSNP rs794729120, ClinGen allele CA308754.

ClinVar aggregate classification (germline): Pathogenic. Review status: criteria provided, multiple submitters, no conflicts (2 of 4 stars). 4 submissions from 4 submitters: Pathogenic (4). Last evaluated 2024-05-22.

Conditions:
Cardiomyopathy (CMYO). Also called: Cardiomyopathies. Identifiers: Orphanet 167848, MedGen C0878544, MONDO:0004994, HP:0001638. Inheritance: Various modes of inheritance.
Arrhythmogenic right ventricular cardiomyopathy (ARVD). Also called: Arrhythmogenic cardiomyopathy; Arrhythmogenic Right Ventricular Cardiomyopathy (ARVC); Cardiomyopathy, ARVC; Arrhythmogenic right ventricular dysplasia. Identifiers: Orphanet 247, MedGen C0349788, MeSH D019571, MONDO:0016587. Disease mechanism: loss of function. Inheritance: Various modes of inheritance.
Arrhythmogenic right ventricular dysplasia 9 (ARVD9). Also called: Arrhythmogenic Right Ventricular Dysplasia/Cardiomyopathy 9; ARRHYTHMOGENIC RIGHT VENTRICULAR DYSPLASIA, FAMILIAL, 9. Identifiers: MedGen C1836906, MONDO:0012180, OMIM 609040.

Submissions (4):

Color Diagnostics, LLC DBA Color Health
Classification: Pathogenic for Cardiomyopathy. Last evaluated: 2024-05-22. Review status: criteria provided, single submitter. Criteria: ACMG Guidelines, 2015. Collection method: clinical testing. Allele origin: germline.
Comment: This variant inserts 1 nucleotide in exon 2 of the PKP2 gene, creating a frameshift and premature translation stop signal. This variant is expected to result in an absent or non-functional protein product. To our knowledge, this variant has not been reported in individuals affected with PKP2-related disorders in the literature. This variant has not been identified in the general population by the Genome Aggregation Database (gnomAD). Loss of PKP2 function is a known mechanism of disease. Based on the available evidence, this variant is classified as Pathogenic.

GeneDx
Classification: Pathogenic. Last evaluated: 2023-10-26. Review status: criteria provided, single submitter. Criteria: GeneDx Variant Classification Process June 2021. Collection method: clinical testing. Allele origin: germline. Affected: yes.
Comment: Has not been previously published as pathogenic or benign to our knowledge; Not observed at significant frequency in large population cohorts (gnomAD); Frameshift variant predicted to result in protein truncation or nonsense mediated decay in a gene for which loss of function is a known mechanism of disease; This variant is associated with the following publications: (PMID: 26582918)

Labcorp Genetics (formerly Invitae), Labcorp
Classification: Pathogenic for Arrhythmogenic right ventricular dysplasia 9. Last evaluated: 2019-07-15. Review status: criteria provided, single submitter. Criteria: Invitae Variant Classification Sherloc (09022015). Collection method: clinical testing. Allele origin: germline.
Comment: This variant is not present in population databases (ExAC no frequency). This variant has not been reported in the literature in individuals with PKP2-related conditions. ClinVar contains an entry for this variant (Variation ID: 202010). Loss-of-function variants in PKP2 are known to be pathogenic (PMID: 15489853, 23911551). For these reasons, this variant has been classified as Pathogenic. This sequence change creates a premature translational stop signal (p.Tyr86Leufs*9) in the PKP2 gene. It is expected to result in an absent or disrupted protein product.

Center for Advanced Laboratory Medicine, UC San Diego Health, University of California San Diego
Classification: Pathogenic for Arrhythmogenic right ventricular cardiomyopathy. Last evaluated: 2019-03-25. Review status: criteria provided, single submitter. Criteria: ACMG Guidelines, 2015. Collection method: clinical testing. Allele origin: germline. Affected: yes. Observed: 1 variant allele.

Literature cited by the submitters: PubMed 15489853 (cited by Labcorp Genetics (formerly Invitae), Labcorp); PubMed 23911551 (cited by Labcorp Genetics (formerly Invitae), Labcorp).